The following is an entry in ClinVar:

NM_001369268.1(ACAN):c.758-3C>T

Gene: ACAN (aggrecan; plus strand). Cytogenetic location: 15q26.1.
Variant type: single nucleotide variant.
Coding change: c.758-3C>T on transcript NM_001369268.1 (MANE Select); 3 bases into the intron before coding-DNA position 758, C replaced by T.
Molecular consequence: intron variant.
Genome position (GRCh38, 1-based): chr15:88,843,352, C>T. VCF-style: chr15-88843352-C-T. GRCh37 (hg19) VCF-style: chr15-89386583-C-T.
Other names: c.758-3C>T (NM_013227.4, NM_001411097.1, NM_001411096.1 and 1 more transcripts).
Identifiers: ClinVar variation 4712769 (VCV004712769.1).

ClinVar aggregate classification (germline): Uncertain significance (1 of 4 stars; one submission).

Submission:

Labcorp Genetics (formerly Invitae), Labcorp
Classification: Uncertain significance. Last evaluated: 2025-02-19. Review status: criteria provided, single submitter. Criteria: Invitae Variant Classification Sherloc (09022015). Collection method: clinical testing. Allele origin: germline.
Comment: This sequence change falls in intron 5 of the ACAN gene. It does not directly change the encoded amino acid sequence of the ACAN protein. It affects a nucleotide within the consensus splice site. This variant is not present in population databases (gnomAD no frequency). This variant has not been reported in the literature in individuals affected with ACAN-related conditions. Variants that disrupt the consensus splice site are a relatively common cause of aberrant splicing (PMID: 17576681, 9536098). Algorithms developed to predict the effect of sequence changes on RNA splicing suggest that this variant is not likely to affect RNA splicing. In summary, the available evidence is currently insufficient to determine the role of this variant in disease. Therefore, it has been classified as a Variant of Uncertain Significance.

Literature cited by the submitters: PubMed 17576681; PubMed 9536098.